The following is an entry in ClinVar:

NM_022455.5(NSD1):c.4927T>C (p.Cys1643Arg)

Gene: NSD1 (nuclear receptor binding SET domain protein 1; plus strand). Cytogenetic location: 5q35.3.
Variant type: single nucleotide variant.
Coding change: c.4927T>C on transcript NM_022455.5 (MANE Select); coding-DNA position 4927, T replaced by C.
Protein change: p.Cys1643Arg; replaces cysteine 1643 with arginine.
Molecular consequence: missense variant.
Genome position (GRCh38, 1-based): chr5:177,257,112, T>C. VCF-style: chr5-177257112-T-C. GRCh37 (hg19) VCF-style: chr5-176684113-T-C.
Other names: c.4054T>C, p.Cys1352Arg (NM_001365684.2, NM_001409308.1, NM_001409309.1 and 1 more transcripts); c.4927T>C, p.Cys1643Arg (NM_001409301.1, NM_001409302.1, NM_001409303.1); c.4507T>C, p.Cys1503Arg (NM_001409304.1); c.4174T>C, p.Cys1392Arg (NM_001409305.1); c.4165T>C, p.Cys1389Arg (NM_001409306.1, NM_001409307.1); short protein forms C1352R, C1389R, C1392R, C1503R, C1643R.
Identifiers: ClinVar variation 3608725 (VCV003608725.2).

ClinVar aggregate classification (germline): Uncertain significance (1 of 4 stars; one submission).

Submission:

Labcorp Genetics (formerly Invitae), Labcorp
Classification: Uncertain significance. Last evaluated: 2023-12-18. Review status: criteria provided, single submitter. Criteria: Invitae Variant Classification Sherloc (09022015). Collection method: clinical testing. Allele origin: germline.
Comment: This sequence change replaces cysteine, which is neutral and slightly polar, with arginine, which is basic and polar, at codon 1643 of the NSD1 protein (p.Cys1643Arg). This variant is not present in population databases (gnomAD no frequency). This variant has not been reported in the literature in individuals affected with NSD1-related conditions. Advanced modeling of protein sequence and biophysical properties (such as structural, functional, and spatial information, amino acid conservation, physicochemical variation, residue mobility, and thermodynamic stability) performed at Invitae indicates that this missense variant is expected to disrupt NSD1 protein function with a positive predictive value of 95%. In summary, the available evidence is currently insufficient to determine the role of this variant in disease. Therefore, it has been classified as a Variant of Uncertain Significance.